The following is an entry in ClinVar:

ClinVar aggregate classification (germline): Uncertain significance (1 of 4 stars; one submission).

gnomAD v4.1: 3 of 1,614,204 alleles (0.00019%); highest among the groups gnomAD compares: East Asian, 0.0022%; no homozygotes.

Submission:

Women's Health and Genetics/Laboratory Corporation of America, LabCorp
Classification: Uncertain significance. Last evaluated: 2025-09-11. Review status: criteria provided, single submitter. Criteria: LabCorp Variant Classification Summary - May 2015. Collection method: clinical testing. Allele origin: germline.
Comment: Variant summary: CHD5 c.5026G>A (p.Glu1676Lys) results in a conservative amino acid change in the encoded protein sequence. Algorithms developed to predict the effect of missense changes on protein structure and function are either unavailable or do not agree on the potential impact of this missense change. The variant was absent in 251448 control chromosomes. The available data on variant occurrences in the general population are insufficient to allow any conclusion about variant significance. To our knowledge, no occurrence of c.5026G>A in individuals affected with CHD5-related conditions and no experimental evidence demonstrating its impact on protein function have been reported. No submitters have cited clinical-significance assessments for this variant to ClinVar. Based on the evidence outlined above, the variant was classified as uncertain significance.

NM_015557.3(CHD5):c.5026G>A (p.Glu1676Lys)

Gene: CHD5 (chromodomain helicase DNA binding protein 5; minus strand). Cytogenetic location: 1p36.31.
Variant type: single nucleotide variant.
Coding change: c.5026G>A on transcript NM_015557.3 (MANE Select); coding-DNA position 5026, G replaced by A.
Protein change: p.Glu1676Lys; replaces glutamic acid 1676 with lysine.
Molecular consequence: missense variant.
Genome position (GRCh38, 1-based): chr1:6,112,254, C>T on the plus strand (G>A on the coding strand, the complement: CHD5 is on the minus strand). VCF-style: chr1-6112254-C-T. GRCh37 (hg19) VCF-style: chr1-6172314-C-T.
Other names: short protein forms E1676K.
Identifiers: ClinVar variation 4535596 (VCV004535596.1).